The following is an entry in ClinVar:

NM_004656.4(BAP1):c.212T>C (p.Val71Ala)

Gene: BAP1 (BRCA1 associated deubiquitinase 1; minus strand). Cytogenetic location: 3p21.1.
Variant type: single nucleotide variant.
Coding change: c.212T>C on transcript NM_004656.4 (MANE Select); coding-DNA position 212, T replaced by C.
Protein change: p.Val71Ala; replaces valine 71 with alanine.
Molecular consequence: missense variant.
Genome position (GRCh38, 1-based): chr3:52,408,517, A>G on the plus strand (T>C on the coding strand, the complement: BAP1 is on the minus strand). VCF-style: chr3-52408517-A-G. GRCh37 (hg19) VCF-style: chr3-52442533-A-G.
Other names: short protein forms V71A.
Identifiers: ClinVar variation 946183 (VCV000946183.7), dbSNP rs1705236390, ClinGen allele CA353113209.
Genomic context (GRCh38, chr3:52,408,517, plus strand): 5'-CACAGAGTCCAGCAGACCTGGTGGGCAAAGAACATGTTATTCACAATATCATCATCAATC[A>G]CGGACGTATCATCCACCAAGGTAGAGACCTTTCGCCGGGACCGGCGCTCTTCGATCCATT-3'
Protein context (NP_004647.1, residues 61-81): KVSTLVDDTS[Val71Ala]IDDDIVNNMF

ClinVar aggregate classification (germline): Uncertain significance (1 of 4 stars; one submission).

Conditions:
BAP1-related tumor predisposition syndrome (TPDS1). Also called: COMMON Syndrome; Tumor susceptibility linked to germline BAP1 mutations; BAP1 tumor predisposition syndrome; TUMOR PREDISPOSITION SYNDROME 1. Identifiers: Orphanet 289539, MedGen C3280492, MONDO:0013692, OMIM 614327.

Submission:

Labcorp Genetics (formerly Invitae), Labcorp
Classification: Uncertain significance for BAP1-related tumor predisposition syndrome. Last evaluated: 2019-05-02. Review status: criteria provided, single submitter. Criteria: Invitae Variant Classification Sherloc (09022015). Collection method: clinical testing. Allele origin: germline.
Comment: In summary, the available evidence is currently insufficient to determine the role of this variant in disease. Therefore, it has been classified as a Variant of Uncertain Significance. Algorithms developed to predict the effect of missense changes on protein structure and function are either unavailable or do not agree on the potential impact of this missense change (SIFT: "Tolerated"; PolyPhen-2: "Probably Damaging"; Align-GVGD: "Class C0"). This variant has not been reported in the literature in individuals with BAP1-related conditions. This variant is not present in population databases (ExAC no frequency). This sequence change replaces valine with alanine at codon 71 of the BAP1 protein (p.Val71Ala). The valine residue is highly conserved and there is a small physicochemical difference between valine and alanine.